The following is an entry in ClinVar:

NM_001042492.3(NF1):c.5497C>T (p.Leu1833=)

Gene: NF1 (neurofibromin 1; plus strand). Cytogenetic location: 17q11.2.
Variant type: single nucleotide variant.
Coding change: c.5497C>T on transcript NM_001042492.3 (MANE Select); coding-DNA position 5497, C replaced by T.
Protein change: p.Leu1833=; no amino-acid change (leucine 1833 retained).
Molecular consequence: synonymous variant.
Genome position (GRCh38, 1-based): chr17:31,327,727, C>T. VCF-style: chr17-31327727-C-T. GRCh37 (hg19) VCF-style: chr17-29654745-C-T.
Other names: c.5434C>T, p.Leu1812= (NM_000267.4).
Identifiers: ClinVar variation 219722 (VCV000219722.20), dbSNP rs372932380, ClinGen allele CA349053.

ClinVar aggregate classification (germline): Benign/Likely benign. Review status: criteria provided, multiple submitters, no conflicts (2 of 4 stars). 6 submissions from 5 submitters: Benign (1); Likely benign (5). Last evaluated 2026-05-20.

Conditions:
Hereditary cancer-predisposing syndrome. Also called: Tumor predisposition; Hereditary neoplastic syndrome; Neoplastic Syndromes, Hereditary; Hereditary Cancer Syndrome. Identifiers: Orphanet 140162, MedGen C0027672, MeSH D009386, MONDO:0015356.
Cardiovascular phenotype. Identifiers: MedGen CN230736.
Neurofibromatosis, type 1 (NF1). Also called: Neurofibromatosis, type I; NEUROFIBROMATOSIS, TYPE I, SOMATIC; VON RECKLINGHAUSEN DISEASE; Peripheral type neurofibromatosis. Identifiers: Orphanet 636, MedGen C0027831, MONDO:0018975, OMIM 162200. Disease mechanism: loss of function.

Allele frequency attached by ClinVar (database versions not stated): TOPMed 0.00006; ESP Exome Variant Server 0.00015; gnomAD exomes 0.00002; gnomAD 0.00009 and 0.00008; ExAC 0.00005.
gnomAD v4.1: 20 of 1,614,142 alleles (0.0012%); highest among the groups gnomAD compares: African/African-American, 0.024%; no homozygotes.

Submissions (6):

Myriad Genetics, Inc.
Classification: Benign for Neurofibromatosis, type 1. Last evaluated: 2026-05-20. Review status: criteria provided, single submitter. Criteria: Myriad Autosomal Dominant, Autosomal Recessive and X-Linked Classification Criteria (2023). Collection method: clinical testing. Allele origin: unknown.
Comment: This variant is considered benign. This variant is a silent/synonymous amino acid change and it is not expected to impact splicing.

Labcorp Genetics (formerly Invitae), Labcorp
Classification: Likely benign for Neurofibromatosis, type 1. Last evaluated: 2026-02-03. Review status: criteria provided, single submitter. Criteria: Invitae Variant Classification Sherloc (09022015). Collection method: clinical testing. Allele origin: germline.

Genome-Nilou Lab
Classification: Likely benign for Neurofibromatosis, type 1. Last evaluated: 2022-03-15. Review status: criteria provided, single submitter. Criteria: ACMG Guidelines, 2015. Collection method: clinical testing. Allele origin: germline. Affected: no.

GeneDx
Classification: Likely benign. Last evaluated: 2018-12-07. Review status: criteria provided, single submitter. Criteria: GeneDx Variant Classification Process June 2021. Collection method: clinical testing. Allele origin: germline. Affected: yes.

Ambry Genetics
Classification: Likely benign for Hereditary cancer-predisposing syndrome. Last evaluated: 2016-07-01. Review status: criteria provided, single submitter. Criteria: Ambry Autosomal Dominant and X-Linked criteria (10/2015). Collection method: clinical testing. Allele origin: germline. Observed: 1 variant allele.
Comment: Synonymous alterations with insufficient evidence to classify as benign

Ambry Genetics
Classification: Likely benign for Cardiovascular phenotype; Hereditary cancer-predisposing syndrome. Last evaluated: 2016-07-01. Review status: criteria provided, single submitter. Criteria: Ambry Variant Classification Scheme 2023. Collection method: clinical testing. Allele origin: germline.